The following is an entry in ClinVar:

NM_001291415.2(KDM6A):c.2225T>A (p.Val742Glu)

Gene: KDM6A (lysine demethylase 6A; plus strand). Cytogenetic location: Xp11.3.
Variant type: single nucleotide variant.
Coding change: c.2225T>A on transcript NM_001291415.2 (MANE Select); coding-DNA position 2225, T replaced by A.
Protein change: p.Val742Glu; replaces valine 742 with glutamic acid.
Molecular consequence: missense variant. On other transcripts: non-coding transcript variant (1).
Genome position (GRCh38, 1-based): chrX:45,069,724, T>A. VCF-style: chrX-45069724-T-A. GRCh37 (hg19) VCF-style: chrX-44928969-T-A.
Other names: c.2090T>A, p.Val697Glu (NM_001291416.2, NM_001419811.1); c.1934T>A, p.Val645Glu (NM_001291417.2); c.1832T>A, p.Val611Glu (NM_001291418.2, NM_001419815.1); c.1181T>A, p.Val394Glu (NM_001291421.2); c.1967T>A, p.Val656Glu (NM_001410742.1, NM_001419814.1); c.2225T>A, p.Val742Glu (NM_001419809.1); c.2123T>A, p.Val708Glu (NM_001419810.1, NM_001419813.1); c.2069T>A, p.Val690Glu (NM_001419812.1, NM_021140.4); short protein forms V690E, V394E, V656E, V742E, V611E, V697E, V708E, V645E.
Identifiers: ClinVar variation 3393905 (VCV003393905.2).
Genomic context (GRCh38, chrX:45,069,724, plus strand): 5'-AGGCAGCTGGCTCTGGTATTCAGAATCAGAACGGACATCCCACCCTGCCTAGCAATTCAG[T>A]AACACAGGGGGCTGCTCTCAATCACCTCTCCTCTCACACTGCTACCTCAGGTGGACAACA-3'
Protein context (NP_001278344.1, residues 732-752): NGHPTLPSNS[Val742Glu]TQGAALNHLS

ClinVar aggregate classification (germline): Uncertain significance. Review status: criteria provided, multiple submitters, no conflicts (2 of 4 stars). 2 submissions from 2 submitters: Uncertain significance (2). Last evaluated 2025-06-22.

Conditions:
Kabuki syndrome 2 (KABUK2). Also called: KDM6A-Related Kabuki Syndrome. Identifiers: Orphanet 2322, MedGen C3275495, MONDO:0010465, OMIM 300867.

Submissions (2):

Labcorp Genetics (formerly Invitae), Labcorp
Classification: Uncertain significance for Kabuki syndrome 2. Last evaluated: 2025-06-22. Review status: criteria provided, single submitter. Criteria: Invitae Variant Classification Sherloc (09022015). Collection method: clinical testing. Allele origin: germline.
Comment: This sequence change replaces valine, which is neutral and non-polar, with glutamic acid, which is acidic and polar, at codon 690 of the KDM6A protein (p.Val690Glu). This variant is not present in population databases (gnomAD no frequency). This variant has not been reported in the literature in individuals affected with KDM6A-related conditions. ClinVar contains an entry for this variant (Variation ID: 3393905). Invitae Evidence Modeling of protein sequence and biophysical properties (such as structural, functional, and spatial information, amino acid conservation, physicochemical variation, residue mobility, and thermodynamic stability) indicates that this missense variant is not expected to disrupt KDM6A protein function with a negative predictive value of 80%. In summary, the available evidence is currently insufficient to determine the role of this variant in disease. Therefore, it has been classified as a Variant of Uncertain Significance.

GeneDx
Classification: Uncertain significance. Last evaluated: 2024-07-05. Review status: criteria provided, single submitter. Criteria: GeneDx Variant Classification Process June 2021. Collection method: clinical testing. Allele origin: germline. Affected: yes.
Comment: In silico analysis supports that this missense variant has a deleterious effect on protein structure/function; Has not been previously published as pathogenic or benign to our knowledge